The following is an entry in ClinVar:

NM_000059.4(BRCA2):c.771T>A (p.Asn257Lys)

Gene: BRCA2 (BRCA2 DNA repair associated; plus strand). Cytogenetic location: 13q13.1.
Variant type: single nucleotide variant.
Coding change: c.771T>A on transcript NM_000059.4 (MANE Select); coding-DNA position 771, T replaced by A.
Protein change: p.Asn257Lys; replaces asparagine 257 with lysine.
Molecular consequence: missense variant. On other transcripts: non-coding transcript variant (1).
Genome position (GRCh38, 1-based): chr13:32,331,008, T>A. VCF-style: chr13-32331008-T-A. GRCh37 (hg19) VCF-style: chr13-32905145-T-A.
Other names: c.771T>A, p.Asn257Lys (NM_001406719.1, NM_001406720.1, NM_001406721.1); c.402T>A, p.Asn134Lys (NM_001406722.1); short protein forms N134K, N257K.
Identifiers: ClinVar variation 2813550 (VCV002813550.3), dbSNP rs2137462137, ClinGen allele CA387760173.
Genomic context (GRCh38, chr13:32,331,008, plus strand): 5'-TGAAAGTCTGAAGAAAAATGATAGATTTATCGCTTCTGTGACAGACAGTGAAAACACAAA[T>A]CAAAGAGAAGCTGCAAGTCATGGTAAGTCCTCTGTTTAGTTGAACTACAGGTTTTTTTGT-3'
Protein context (NP_000050.3, residues 247-267): IASVTDSENT[Asn257Lys]QREAASHGFG

ClinVar aggregate classification (germline): Uncertain significance (1 of 4 stars; one submission).

Conditions:
Hereditary breast ovarian cancer syndrome. Also called: Hereditary breast and ovarian cancer; Hereditary breast and ovarian cancer syndrome; Breast and ovarian cancer; BRCA1- and BRCA2-Associated Hereditary Breast and Ovarian Cancer; Hereditary breast and ovarian cancer syndrome (HBOC); Hereditary breast and/or ovarian cancer syndrome. Identifiers: Orphanet 145, MedGen C0677776, MeSH D061325, MONDO:0003582. Disease mechanism: loss of function.

Submission:

Labcorp Genetics (formerly Invitae), Labcorp
Classification: Uncertain significance for Hereditary breast ovarian cancer syndrome. Last evaluated: 2022-11-25. Review status: criteria provided, single submitter. Criteria: Invitae Variant Classification Sherloc (09022015). Collection method: clinical testing. Allele origin: germline.
Comment: Advanced modeling of protein sequence and biophysical properties (such as structural, functional, and spatial information, amino acid conservation, physicochemical variation, residue mobility, and thermodynamic stability) performed at Invitae indicates that this missense variant is not expected to disrupt BRCA2 protein function. In summary, the available evidence is currently insufficient to determine the role of this variant in disease. Therefore, it has been classified as a Variant of Uncertain Significance. This variant has not been reported in the literature in individuals affected with BRCA2-related conditions. This variant is not present in population databases (gnomAD no frequency). This sequence change replaces asparagine, which is neutral and polar, with lysine, which is basic and polar, at codon 257 of the BRCA2 protein (p.Asn257Lys).